The following is an entry in ClinVar:

ClinVar aggregate classification (germline): Likely benign. Review status: criteria provided, multiple submitters, no conflicts (2 of 4 stars). 4 submissions from 4 submitters: Likely benign (3). 1 of the submissions does not count toward it. Last evaluated 2026-01-22.

Conditions:
MYH7B-related disorder. Also called: MYH7B-related condition.

Allele frequency attached by ClinVar (database versions not stated): 1000 Genomes Project 0.00100; 1000 Genomes Project 30x 0.00141; gnomAD exomes 0.00460 and 0.00775; ESP Exome Variant Server 0.00471; ExAC 0.00476; gnomAD 0.00481 and 0.00499; TOPMed 0.00498.

Submissions (4):

Labcorp Genetics (formerly Invitae), Labcorp
Classification: Likely benign. Last evaluated: 2026-01-22. Review status: criteria provided, single submitter. Criteria: Invitae Variant Classification Sherloc (09022015). Collection method: clinical testing. Allele origin: germline.

CeGaT Center for Human Genetics Tuebingen
Classification: Likely benign. Last evaluated: 2023-04-01. Review status: criteria provided, single submitter. Criteria: CeGaT Center For Human Genetics Tuebingen Variant Classification Criteria Version 2. Collection method: clinical testing. Allele origin: germline. Affected: yes. Observed: 2 variant alleles.
Comment: MYH7B: BP4, BS2

Breakthrough Genomics
Classification: Likely benign. Review status: criteria provided, single submitter. Criteria: ACMG Guidelines, 2015. Collection method: not provided. Allele origin: germline. Inheritance: Unknown mechanism. Affected: yes.

PreventionGenetics, part of Exact Sciences
Classification: Benign for MYH7B-related condition. Last evaluated: 2019-10-02. Review status: no assertion criteria provided. Collection method: clinical testing. Allele origin: germline. Not counted in ClinVar's aggregate classification.
Comment: This variant is classified as benign based on ACMG/AMP sequence variant interpretation guidelines (Richards et al. 2015 PMID: 25741868, with internal and published modifications).

NM_020884.7(MYH7B):c.989A>G (p.Glu330Gly)

Gene: MYH7B (myosin heavy chain 7B; plus strand). Cytogenetic location: 20q11.22.
Variant type: single nucleotide variant.
Coding change: c.989A>G on transcript NM_020884.7 (MANE Select); coding-DNA position 989, A replaced by G.
Protein change: p.Glu330Gly; replaces glutamic acid 330 with glycine.
Molecular consequence: missense variant.
Genome position (GRCh38, 1-based): chr20:34,986,970, A>G. VCF-style: chr20-34986970-A-G. GRCh37 (hg19) VCF-style: chr20-33574773-A-G.
Other names: short protein forms E330G.
Identifiers: ClinVar variation 719269 (VCV000719269.36), dbSNP rs200924846, ClinGen allele CA9826734.